The following is an entry in ClinVar:

NM_015047.3(EMC1):c.737A>C (p.Gln246Pro)

Genes: EMC1 (ER membrane protein complex subunit 1; minus strand), EMC1-AS1 (EMC1 antisense RNA 1; plus strand). Cytogenetic location: 1p36.13.
Variant type: single nucleotide variant.
Coding change: c.737A>C on transcript NM_015047.3 (MANE Select); coding-DNA position 737, A replaced by C.
Protein change: p.Gln246Pro; replaces glutamine 246 with proline.
Molecular consequence: missense variant. On other transcripts: non-coding transcript variant (1).
Genome position (GRCh38, 1-based): chr1:19,240,346, T>G on the plus strand (A>C on the coding strand, the complement: EMC1 is on the minus strand). VCF-style: chr1-19240346-T-G. GRCh37 (hg19) VCF-style: chr1-19566840-T-G.
Other names: c.737A>C (NM_015047.1); c.737A>C, p.Gln246Pro (NM_001271427.2, NM_001271428.2, NM_001375820.1 and 1 more transcripts); c.671A>C, p.Gln224Pro (NM_001271429.2); short protein forms Q224P, Q246P.
Identifiers: ClinVar variation 1312336 (VCV001312336.9), dbSNP rs200901424, ClinGen allele CA652810.
Genomic context (GRCh38, chr1:19,240,346, plus strand): 5'-CAGCCTCTCACCTGCAGTGGGATCTGTCTCAACTCCCATTCCGTCTCCAGAGCCAAAGTT[T>G]GGAGGGAACGTGAGCTCGGGTCAGGACACACCAGGACAGCCTCATCCACCACACCACAGG-3'
Protein context (NP_055862.1, residues 236-256): VCPDPSSRSL[Gln246Pro]TLALETEWEL

ClinVar aggregate classification (germline): Uncertain significance. Review status: criteria provided, multiple submitters, no conflicts (2 of 4 stars). 4 submissions from 4 submitters: Uncertain significance (4). Last evaluated 2025-07-27.

Conditions:
Inborn genetic diseases. Identifiers: MedGen C0950123, MeSH D030342.
Cerebellar atrophy, visual impairment, and psychomotor retardation;. Also called: Cerebellar atrophy, visual impairment, and psychomotor retardation. Identifiers: MedGen C4225172, MONDO:0014811, OMIM 616875.

Allele frequency attached by ClinVar (database versions not stated): gnomAD exomes 0.00001; TOPMed 0.00001; ExAC 0.00002; gnomAD 0.00002.

Submissions (4):

Labcorp Genetics (formerly Invitae), Labcorp
Classification: Uncertain significance. Last evaluated: 2025-07-27. Review status: criteria provided, single submitter. Criteria: Invitae Variant Classification Sherloc (09022015). Collection method: clinical testing. Allele origin: germline.
Comment: This sequence change replaces glutamine, which is neutral and polar, with proline, which is neutral and non-polar, at codon 246 of the EMC1 protein (p.Gln246Pro). This variant is present in population databases (rs200901424, gnomAD 0.002%). This variant has not been reported in the literature in individuals affected with EMC1-related conditions. ClinVar contains an entry for this variant (Variation ID: 1312336). Invitae Evidence Modeling of protein sequence and biophysical properties (such as structural, functional, and spatial information, amino acid conservation, physicochemical variation, residue mobility, and thermodynamic stability) indicates that this missense variant is not expected to disrupt EMC1 protein function with a negative predictive value of 80%. In summary, the available evidence is currently insufficient to determine the role of this variant in disease. Therefore, it has been classified as a Variant of Uncertain Significance.

Ambry Genetics
Classification: Uncertain significance for Inborn genetic diseases. Last evaluated: 2021-05-01. Review status: criteria provided, single submitter. Criteria: Ambry Variant Classification Scheme 2023. Collection method: clinical testing. Allele origin: germline.

Baylor Genetics
Classification: Uncertain significance for Cerebellar atrophy, visual impairment, and psychomotor retardation;. Last evaluated: 2021-01-04. Review status: criteria provided, single submitter. Criteria: ACMG Guidelines, 2015. Collection method: clinical testing. Allele origin: unknown.

GeneDx
Classification: Uncertain significance. Last evaluated: 2019-10-07. Review status: criteria provided, single submitter. Criteria: GeneDx Variant Classification Process June 2021. Collection method: clinical testing. Allele origin: germline. Affected: yes.
Comment: Not observed at a significant frequency in large population cohorts (Lek et al., 2016); In silico analysis, which includes protein predictors and evolutionary conservation, supports that this variant does not alter protein structure/function; Has not been previously published as pathogenic or benign to our knowledge